The following is an entry in ClinVar:

ClinVar aggregate classification (germline): Uncertain significance (1 of 4 stars; one submission).

Allele frequency attached by ClinVar (database versions not stated): gnomAD 0.00001; gnomAD exomes 0.00001; TOPMed 0.00001.
gnomAD v4.1: 11 of 1,558,848 alleles (0.00071%); highest among the groups gnomAD compares: South Asian, 0.0024%; no homozygotes.

Submission:

Labcorp Genetics (formerly Invitae), Labcorp
Classification: Uncertain significance. Last evaluated: 2022-11-15. Review status: criteria provided, single submitter. Criteria: Invitae Variant Classification Sherloc (09022015). Collection method: clinical testing. Allele origin: germline.
Comment: In summary, the available evidence is currently insufficient to determine the role of this variant in disease. Therefore, it has been classified as a Variant of Uncertain Significance. Advanced modeling of protein sequence and biophysical properties (such as structural, functional, and spatial information, amino acid conservation, physicochemical variation, residue mobility, and thermodynamic stability) performed at Invitae indicates that this missense variant is not expected to disrupt CHD8 protein function. This variant has not been reported in the literature in individuals affected with CHD8-related conditions. This variant is present in population databases (rs777093644, gnomAD 0.004%). This sequence change replaces serine, which is neutral and polar, with alanine, which is neutral and non-polar, at codon 2469 of the CHD8 protein (p.Ser2469Ala).

NM_001170629.2(CHD8):c.7405T>G (p.Ser2469Ala)

Gene: CHD8 (chromodomain helicase DNA binding protein 8; minus strand). Cytogenetic location: 14q11.2.
Variant type: single nucleotide variant.
Coding change: c.7405T>G on transcript NM_001170629.2 (MANE Select); coding-DNA position 7405, T replaced by G.
Protein change: p.Ser2469Ala; replaces serine 2469 with alanine.
Molecular consequence: missense variant.
Genome position (GRCh38, 1-based): chr14:21,385,954, A>C on the plus strand (T>G on the coding strand, the complement: CHD8 is on the minus strand). VCF-style: chr14-21385954-A-C. GRCh37 (hg19) VCF-style: chr14-21854113-A-C.
Other names: c.6568T>G, p.Ser2190Ala (NM_020920.4); short protein forms S2190A, S2469A.
Identifiers: ClinVar variation 1901023 (VCV001901023.5), dbSNP rs777093644, ClinGen allele CA7090545.